The following is an entry in ClinVar:

NM_001173464.2(KIF21A):c.1902T>A (p.Asp634Glu)

Gene: KIF21A (kinesin family member 21A; minus strand). Cytogenetic location: 12q12.
Variant type: single nucleotide variant.
Coding change: c.1902T>A on transcript NM_001173464.2 (MANE Select); coding-DNA position 1902, T replaced by A.
Protein change: p.Asp634Glu; replaces aspartic acid 634 with glutamic acid.
Molecular consequence: missense variant.
Genome position (GRCh38, 1-based): chr12:39,341,524, A>T on the plus strand (T>A on the coding strand, the complement: KIF21A is on the minus strand). VCF-style: chr12-39341524-A-T. GRCh37 (hg19) VCF-style: chr12-39735326-A-T.
Other names: c.1863T>A, p.Asp621Glu (NM_001173463.2, NM_001173465.2, NM_001378441.1 and 1 more transcripts); c.1902T>A, p.Asp634Glu (NM_001378439.1, NM_001378440.1); short protein forms D621E, D634E.
Identifiers: ClinVar variation 3902559 (VCV003902559.1).
Genomic context (GRCh38, chr12:39,341,524, plus strand): 5'-TCCCAAAATGAATTTTTGCCCTTATACCAAAGGGCAAGTACCTTTTTCATCTGATTCAGA[A>T]TCTGATTCATCAGAACTTTCACCCCCATCAATGTCATCTTCCTCCTCCTCCTCCTCCTCT-3'
Protein context (NP_001166935.1, residues 624-644): IDGGESSDES[Asp634Glu]SESDEKANYQ

ClinVar aggregate classification (germline): Uncertain significance (1 of 4 stars; one submission).

Submission:

Women's Health and Genetics/Laboratory Corporation of America, LabCorp
Classification: Uncertain significance. Last evaluated: 2025-05-02. Review status: criteria provided, single submitter. Criteria: LabCorp Variant Classification Summary - May 2015. Collection method: clinical testing. Allele origin: germline.
Comment: Variant summary: KIF21A c.1902T>A (p.Asp634Glu) results in a conservative amino acid change in the encoded protein sequence. Algorithms developed to predict the effect of missense changes on protein structure and function are either unavailable or do not agree on the potential impact of this missense change. The variant was absent in 248332 control chromosomes (gnomAD). The available data on variant occurrences in the general population are insufficient to allow any conclusion about variant significance. To our knowledge, no occurrence of c.1902T>A in individuals affected with KIF21A-Related Disorders and no experimental evidence demonstrating its impact on protein function have been reported. No submitters have cited clinical-significance assessments for this variant to ClinVar. Based on the evidence outlined above, the variant was classified as uncertain significance.